The following is an entry in ClinVar:

ClinVar aggregate classification (germline): Uncertain significance (1 of 4 stars; one submission).

Conditions:
Dilated cardiomyopathy 1J (CMD1J). Also called: CARDIOMYOPATHY, DILATED, WITH SENSORINEURAL HEARING LOSS, AUTOSOMAL DOMINANT. Identifiers: Orphanet 217622, MedGen C1854368, MONDO:0011541, OMIM 605362.

Allele frequency attached by ClinVar (database versions not stated): ExAC 0.00001; gnomAD exomes 0.00001; TOPMed 0.00002.
gnomAD v4.1: 10 of 1,613,684 alleles (0.00062%); highest among the groups gnomAD compares: East Asian, 0.022%; no homozygotes.

Submission:

Labcorp Genetics (formerly Invitae), Labcorp
Classification: Uncertain significance for Dilated cardiomyopathy 1J. Last evaluated: 2023-03-13. Review status: criteria provided, single submitter. Criteria: Invitae Variant Classification Sherloc (09022015). Collection method: clinical testing. Allele origin: germline.
Comment: Advanced modeling of protein sequence and biophysical properties (such as structural, functional, and spatial information, amino acid conservation, physicochemical variation, residue mobility, and thermodynamic stability) performed at Invitae indicates that this missense variant is not expected to disrupt EYA4 protein function. In summary, the available evidence is currently insufficient to determine the role of this variant in disease. Therefore, it has been classified as a Variant of Uncertain Significance. This sequence change replaces proline, which is neutral and non-polar, with leucine, which is neutral and non-polar, at codon 332 of the EYA4 protein (p.Pro332Leu). This variant is present in population databases (rs780325557, gnomAD 0.01%). This missense change has been observed in individual(s) with clinical features of EYA4-related conditions (PMID: 32107406).

Literature cited by the submitters: PubMed 32107406.

NM_004100.5(EYA4):c.995C>T (p.Pro332Leu)

Gene: EYA4 (EYA transcriptional coactivator and phosphatase 4; plus strand). Cytogenetic location: 6q23.2.
Variant type: single nucleotide variant.
Coding change: c.995C>T on transcript NM_004100.5 (MANE Select); coding-DNA position 995, C replaced by T.
Protein change: p.Pro332Leu; replaces proline 332 with leucine.
Molecular consequence: missense variant.
Genome position (GRCh38, 1-based): chr6:133,481,487, C>T. VCF-style: chr6-133481487-C-T. GRCh37 (hg19) VCF-style: chr6-133802625-C-T.
Other names: c.833C>T, p.Pro278Leu (NM_001301012.2); c.1013C>T, p.Pro338Leu (NM_001301013.2); c.926C>T, p.Pro309Leu (NM_001370458.1, NM_172103.4); c.851C>T, p.Pro284Leu (NM_001370459.1); c.995C>T, p.Pro332Leu (NM_172105.4); short protein forms P284L, P309L, P332L, P278L, P338L.
Identifiers: ClinVar variation 2907565 (VCV002907565.3), dbSNP rs780325557, ClinGen allele CA4008219.